The following is an entry in ClinVar:

NM_053054.4(CATSPER1):c.333C>T (p.Tyr111=)

Gene: CATSPER1 (cation channel sperm associated 1; minus strand). Cytogenetic location: 11q13.1.
Variant type: single nucleotide variant.
Coding change: c.333C>T on transcript NM_053054.4 (MANE Select); coding-DNA position 333, C replaced by T.
Protein change: p.Tyr111=; no amino-acid change (tyrosine 111 retained).
Molecular consequence: synonymous variant.
Genome position (GRCh38, 1-based): chr11:66,026,047, G>A on the plus strand (C>T on the coding strand, the complement: CATSPER1 is on the minus strand). VCF-style: chr11-66026047-G-A. GRCh37 (hg19) VCF-style: chr11-65793518-G-A.
Identifiers: ClinVar variation 305448 (VCV000305448.10), dbSNP rs575875557, ClinGen allele CA6114947.

ClinVar aggregate classification (germline): Conflicting classifications of pathogenicity. Review status: criteria provided, conflicting classifications (1 of 4 stars). 3 submissions from 3 submitters: Uncertain significance (1); Likely benign (1). 1 of the submissions does not count toward it. Last evaluated 2018-07-03.

Conditions:
Spermatogenic failure 7. Also called: MALE INFERTILITY, NONSYNDROMIC, AUTOSOMAL RECESSIVE. Identifiers: Orphanet 276234, MedGen C2751811, MONDO:0013070, OMIM 612997.
CATSPER1-related disorder. Also called: CATSPER1-related condition.

Allele frequency attached by ClinVar (database versions not stated): ExAC 0.00007; TOPMed 0.00020; gnomAD 0.00022.

Submissions (3):

Labcorp Genetics (formerly Invitae), Labcorp
Classification: Likely benign. Last evaluated: 2018-07-03. Review status: criteria provided, single submitter. Criteria: Invitae Variant Classification Sherloc (09022015). Collection method: clinical testing. Allele origin: germline.

Illumina Laboratory Services, Illumina
Classification: Uncertain significance for Spermatogenic failure 7. Last evaluated: 2018-01-12. Review status: criteria provided, single submitter. Criteria: ICSL Variant Classification Criteria 13 December 2019. Collection method: clinical testing. Allele origin: germline.

PreventionGenetics, part of Exact Sciences
Classification: Likely benign for CATSPER1-related condition. Last evaluated: 2019-05-28. Review status: no assertion criteria provided. Collection method: clinical testing. Allele origin: germline. Not counted in ClinVar's aggregate classification.
Comment: This variant is classified as likely benign based on ACMG/AMP sequence variant interpretation guidelines (Richards et al. 2015 PMID: 25741868, with internal and published modifications).